The following is an entry in ClinVar:

NM_000238.4(KCNH2):c.784G>A (p.Gly262Ser)

Gene: KCNH2 (potassium voltage-gated channel subfamily H member 2; minus strand). Cytogenetic location: 7q36.1.
Variant type: single nucleotide variant.
Coding change: c.784G>A on transcript NM_000238.4 (MANE Select); coding-DNA position 784, G replaced by A.
Protein change: p.Gly262Ser; replaces glycine 262 with serine.
Molecular consequence: missense variant. On other transcripts: non-coding transcript variant (1).
Genome position (GRCh38, 1-based): chr7:150,958,191, C>T on the plus strand (G>A on the coding strand, the complement: KCNH2 is on the minus strand). VCF-style: chr7-150958191-C-T. GRCh37 (hg19) VCF-style: chr7-150655279-C-T.
Other names: c.496G>A, p.Gly166Ser (NM_001406753.1, NM_001406756.1); c.607G>A, p.Gly203Ser (NM_001406755.1); c.484G>A, p.Gly162Ser (NM_001406757.1); c.784G>A, p.Gly262Ser (NM_172056.3); short protein forms G162S, G166S, G203S, G262S.
Identifiers: ClinVar variation 4688205 (VCV004688205.1).

ClinVar aggregate classification (germline): Uncertain significance (1 of 4 stars; one submission).

gnomAD v4.1: 11 of 1,360,582 alleles (0.00081%); highest among the groups gnomAD compares: Non-Finnish European, 0.001%; no homozygotes.

Submission:

Women's Health and Genetics/Laboratory Corporation of America, LabCorp
Classification: Uncertain significance. Last evaluated: 2025-12-30. Review status: criteria provided, single submitter. Criteria: LabCorp Variant Classification Summary - May 2015. Collection method: clinical testing. Allele origin: germline.
Comment: Variant summary: KCNH2 c.784G>A (p.Gly262Ser) results in a non-conservative amino acid change in the encoded protein sequence. Algorithms developed to predict the effect of missense changes on protein structure and function are either unavailable or do not agree on the potential impact of this missense change. The variant was absent in 33816 control chromosomes. The available data on variant occurrences in the general population are insufficient to allow any conclusion about variant significance. To our knowledge, no occurrence of c.784G>A in individuals affected with KCNH2-related conditions and no experimental evidence demonstrating its impact on protein function have been reported. No submitters have cited clinical-significance assessments for this variant to ClinVar. Based on the evidence outlined above, the variant was classified as uncertain significance.